The following is an entry in ClinVar:

ClinVar aggregate classification (germline): Conflicting classifications of pathogenicity. Review status: criteria provided, conflicting classifications (1 of 4 stars). 6 submissions from 6 submitters: Uncertain significance (5); Likely benign (1). Last evaluated 2025-11-06.

Conditions:
BRCA2-related disorder. Also called: BRCA2-related condition; BRCA2-related disorders. Identifiers: MedGen CN239275.
Hereditary cancer-predisposing syndrome. Also called: Hereditary neoplastic syndrome; Hereditary Cancer Syndrome; Neoplastic Syndromes, Hereditary; Tumor predisposition. Identifiers: Orphanet 140162, MedGen C0027672, MeSH D009386, MONDO:0015356.
Hereditary breast ovarian cancer syndrome. Also called: Hereditary breast and ovarian cancer syndrome; BRCA1- and BRCA2-Associated Hereditary Breast and Ovarian Cancer; Hereditary breast and/or ovarian cancer syndrome; Hereditary breast and ovarian cancer; Breast and ovarian cancer; Hereditary breast and ovarian cancer syndrome (HBOC). Identifiers: Orphanet 145, MedGen C0677776, MeSH D061325, MONDO:0003582. Disease mechanism: loss of function.
Breast-ovarian cancer, familial, susceptibility to, 2 (BROVCA2). Also called: BRCA2 Hereditary Breast and Ovarian Cancer. Identifiers: Orphanet 145, MedGen C2675520, MONDO:0012933, OMIM 612555. Disease mechanism: loss of function.

Allele frequency attached by ClinVar (database versions not stated): gnomAD exomes below 0.00001; gnomAD 0.00001.
gnomAD v4.1: 3 of 1,614,026 alleles (0.00019%); highest among the groups gnomAD compares: Admixed American, 0.0017%; no homozygotes.

Submissions (6):

Labcorp Genetics (formerly Invitae), Labcorp
Classification: Uncertain significance for Hereditary breast ovarian cancer syndrome. Last evaluated: 2025-11-06. Review status: criteria provided, single submitter. Criteria: Invitae Variant Classification Sherloc (09022015). Collection method: clinical testing. Allele origin: germline.
Comment: This sequence change replaces glutamine, which is neutral and polar, with arginine, which is basic and polar, at codon 2580 of the BRCA2 protein (p.Gln2580Arg). This variant is not present in population databases (gnomAD no frequency). This variant has not been reported in the literature in individuals affected with BRCA2-related conditions. ClinVar contains an entry for this variant (Variation ID: 422026). Invitae Evidence Modeling of protein sequence and biophysical properties (such as structural, functional, and spatial information, amino acid conservation, physicochemical variation, residue mobility, and thermodynamic stability) indicates that this missense variant is not expected to disrupt BRCA2 protein function with a negative predictive value of 95%. In summary, the available evidence is currently insufficient to determine the role of this variant in disease. Therefore, it has been classified as a Variant of Uncertain Significance.

Ambry Genetics
Classification: Likely benign for Hereditary cancer-predisposing syndrome. Last evaluated: 2025-05-19. Review status: criteria provided, single submitter. Criteria: Ambry Variant Classification Scheme 2023. Collection method: clinical testing. Allele origin: germline.

All of Us Research Program, National Institutes of Health
Classification: Uncertain significance for Breast-ovarian cancer, familial, susceptibility to, 2. Last evaluated: 2023-08-23. Review status: criteria provided, single submitter. Criteria: ACMG Guidelines, 2015. Collection method: clinical testing. Allele origin: germline. Inheritance: Autosomal dominant inheritance. Observed: 1 variant allele, 1 heterozygote.
Comment: This missense variant replaces glutamine with arginine at codon 2580 of the BRCA2 protein. Computational prediction suggests that this variant may not impact protein structure and function (internally defined REVEL score threshold <= 0.5, PMID: 27666373). To our knowledge, functional studies have not been reported for this variant. This variant has not been reported in individuals affected with BRCA2-related disorders in the literature. This variant has not been identified in the general population by the Genome Aggregation Database (gnomAD). The available evidence is insufficient to determine the role of this variant in disease conclusively. Therefore, this variant is classified as a Variant of Uncertain Significance.

This study involves interpretation of variants in research participants for the purpose of population health screening. Participant phenotype was not available at the time of variant classification. Additional details can be found in publication PMID: 35346344, PMCID: PMC8962531

Color Diagnostics, LLC DBA Color Health
Classification: Uncertain significance for Hereditary cancer-predisposing syndrome. Last evaluated: 2023-08-14. Review status: criteria provided, single submitter. Criteria: ACMG Guidelines, 2015. Collection method: clinical testing. Allele origin: germline.
Comment: This missense variant replaces glutamine with arginine at codon 2580 of the BRCA2 protein. Computational prediction suggests that this variant may not impact protein structure and function (internally defined REVEL score threshold <= 0.5, PMID: 27666373). To our knowledge, functional studies have not been reported for this variant. This variant has not been reported in individuals affected with BRCA2-related disorders in the literature. This variant has not been identified in the general population by the Genome Aggregation Database (gnomAD). The available evidence is insufficient to determine the role of this variant in disease conclusively. Therefore, this variant is classified as a Variant of Uncertain Significance.

Women's Health and Genetics/Laboratory Corporation of America, LabCorp
Classification: Uncertain significance. Last evaluated: 2023-04-14. Review status: criteria provided, single submitter. Criteria: LabCorp Variant Classification Summary - May 2015. Collection method: clinical testing. Allele origin: germline.
Comment: Variant summary: BRCA2 c.7739A>G (p.Gln2580Arg) results in a conservative amino acid change located in the Breast cancer type 2 susceptibility protein, helical domain ( IPR015252) of the encoded protein sequence. Four of five in-silico tools predict a benign effect of the variant on protein function. The variant was absent in 251416 control chromosomes. The available data on variant occurrences in the general population are insufficient to allow any conclusion about variant significance. To our knowledge, no occurrence of c.7739A>G in individuals affected with Hereditary Breast And Ovarian Cancer Syndrome and no experimental evidence demonstrating its impact on protein function have been reported. Four clinical diagnostic laboratories have submitted clinical-significance assessments for this variant to ClinVar after 2014 and classified the variant as uncertain significance. Based on the evidence outlined above, the variant was classified as uncertain significance.

GeneDx
Classification: Uncertain significance. Last evaluated: 2018-06-08. Review status: criteria provided, single submitter. Criteria: GeneDx Variant Classification (06012015). Collection method: clinical testing. Allele origin: germline. Affected: yes.
Comment: This variant is denoted BRCA2 c.7739A>G at the cDNA level, p.Gln2580Arg (Q2580R) at the protein level, and results in the change of a Glutamine to an Arginine (CAG>CGG). Using alternate nomenclature, this variant would be defined as BRCA2 7967A>G. This variant has not, to our knowledge, been published in the literature as a pathogenic or benign germline variant. BRCA2 Gln2580Arg was not observed in large population cohorts (Lek 2016). Since BRCA2 Gln2580Arg is located within the DNA binding domain (Yang 2002). In silico analysis, which includes protein predictors and evolutionary conservation, supports that this variant does not alter protein structure/function. Based on currently available evidence, it is unclear whether BRCA2 Gln2580Arg is a pathogenic or benign variant. We consider it to be a variant of uncertain significance.

NM_000059.4(BRCA2):c.7739A>G (p.Gln2580Arg)

Gene: BRCA2 (BRCA2 DNA repair associated; plus strand). Cytogenetic location: 13q13.1.
Variant type: single nucleotide variant.
Coding change: c.7739A>G on transcript NM_000059.4 (MANE Select); coding-DNA position 7739, A replaced by G.
Protein change: p.Gln2580Arg; replaces glutamine 2580 with arginine.
Molecular consequence: missense variant.
Genome position (GRCh38, 1-based): chr13:32,357,863, A>G. VCF-style: chr13-32357863-A-G. GRCh37 (hg19) VCF-style: chr13-32932000-A-G.
Other names: short protein forms Q2580R.
Identifiers: ClinVar variation 422026 (VCV000422026.23), dbSNP rs1064795508, ClinGen allele CA16619768.